The following is an entry in ClinVar:

NM_001277115.2(DNAH11):c.25G>T (p.Glu9Ter)

Gene: DNAH11 (dynein axonemal heavy chain 11; plus strand). Cytogenetic location: 7p15.3.
Variant type: single nucleotide variant.
Coding change: c.25G>T on transcript NM_001277115.2 (MANE Select); coding-DNA position 25, G replaced by T.
Protein change: p.Glu9Ter; replaces glutamic acid 9 with a stop codon.
Molecular consequence: nonsense.
Genome position (GRCh38, 1-based): chr7:21,543,270, G>T. VCF-style: chr7-21543270-G-T. GRCh37 (hg19) VCF-style: chr7-21582888-G-T.
Other names: c.25G>T, p.Glu9Ter (NM_003777.3); short protein forms E9*.
Identifiers: ClinVar variation 2903087 (VCV002903087.4), dbSNP rs753645186, ClinGen allele CA4178608.

ClinVar aggregate classification (germline): Pathogenic (1 of 4 stars; one submission).

Conditions:
Primary ciliary dyskinesia. Also called: Ciliary dyskinesia. Identifiers: Orphanet 244, MedGen C0008780, MONDO:0016575, HP:0012265.

Allele frequency attached by ClinVar (database versions not stated): TOPMed below 0.00001; gnomAD 0.00001; ExAC 0.00008.
gnomAD v4.1: 4 of 1,540,102 alleles (0.00026%); highest among the groups gnomAD compares: Non-Finnish European, 0.00035%; no homozygotes.

Submissions (2):

Labcorp Genetics (formerly Invitae), Labcorp
Classification: Pathogenic for Primary ciliary dyskinesia. Last evaluated: 2023-04-22. Review status: criteria provided, single submitter. Criteria: Invitae Variant Classification Sherloc (09022015). Collection method: clinical testing. Allele origin: germline.
Comment: This variant has not been reported in the literature in individuals affected with DNAH11-related conditions. The frequency data for this variant in the population databases is considered unreliable, as metrics indicate poor data quality at this position in the gnomAD database. This sequence change creates a premature translational stop signal (p.Glu9*) in the DNAH11 gene. It is expected to result in an absent or disrupted protein product. Loss-of-function variants in DNAH11 are known to be pathogenic (PMID: 18022865, 20513915, 22184204). For these reasons, this variant has been classified as Pathogenic.

Dr. Peter K. Rogan Lab, Western University
No classification provided (evidence only). Condition: Uterine corpus endometrial carcinoma. Review status: no classification provided. Collection method: in vitro. Allele origin: not applicable. Functional consequence: retained intron. Not counted in ClinVar's aggregate classification.

Literature cited by the submitters: PubMed 18022865 (cited by Labcorp Genetics (formerly Invitae), Labcorp); PubMed 20513915 (cited by Labcorp Genetics (formerly Invitae), Labcorp); PubMed 22184204 (cited by Labcorp Genetics (formerly Invitae), Labcorp).